The following is an entry in ClinVar:

NM_001369268.1(ACAN):c.661T>G (p.Tyr221Asp)

Gene: ACAN (aggrecan; plus strand). Cytogenetic location: 15q26.1.
Variant type: single nucleotide variant.
Coding change: c.661T>G on transcript NM_001369268.1 (MANE Select); coding-DNA position 661, T replaced by G.
Protein change: p.Tyr221Asp; replaces tyrosine 221 with aspartic acid.
Molecular consequence: missense variant.
Genome position (GRCh38, 1-based): chr15:88,841,771, T>G. VCF-style: chr15-88841771-T-G. GRCh37 (hg19) VCF-style: chr15-89385002-T-G.
Other names: c.661T>G, p.Tyr221Asp (NM_001135.4, NM_001411096.1, NM_001411097.1 and 1 more transcripts); short protein forms Y221D.
Identifiers: ClinVar variation 3658685 (VCV003658685.2).
Genomic context (GRCh38, chr15:88,841,771, plus strand): 5'-GTCACACCTCCATTTCGGGTTCCTGGCAGATACCCCATCCACACTCCCCGGGAAGGCTGC[T>G]ATGGAGACAAGGATGAGTTTCCTGGTGTGAGGACGTATGGCATCCGAGACACCAACGAGA-3'
Protein context (NP_001356197.1, residues 211-231): YPIHTPREGC[Tyr221Asp]GDKDEFPGVR

ClinVar aggregate classification (germline): Uncertain significance (1 of 4 stars; one submission).

Submission:

Labcorp Genetics (formerly Invitae), Labcorp
Classification: Uncertain significance. Last evaluated: 2024-07-03. Review status: criteria provided, single submitter. Criteria: Invitae Variant Classification Sherloc (09022015). Collection method: clinical testing. Allele origin: germline.
Comment: This sequence change replaces tyrosine, which is neutral and polar, with aspartic acid, which is acidic and polar, at codon 221 of the ACAN protein (p.Tyr221Asp). This variant is not present in population databases (gnomAD no frequency). This variant has not been reported in the literature in individuals affected with ACAN-related conditions. Advanced modeling of protein sequence and biophysical properties (such as structural, functional, and spatial information, amino acid conservation, physicochemical variation, residue mobility, and thermodynamic stability) performed at Invitae indicates that this missense variant is not expected to disrupt ACAN protein function with a negative predictive value of 80%. In summary, the available evidence is currently insufficient to determine the role of this variant in disease. Therefore, it has been classified as a Variant of Uncertain Significance.